The following is an entry in ClinVar:

ClinVar aggregate classification (germline): Uncertain significance. Review status: criteria provided, multiple submitters, no conflicts (2 of 4 stars). 2 submissions from 2 submitters: Uncertain significance (2). Last evaluated 2025-08-04.

Conditions:
Inborn genetic diseases. Identifiers: MedGen C0950123, MeSH D030342.

Allele frequency attached by ClinVar (database versions not stated): gnomAD 0.00001; TOPMed 0.00001.
gnomAD v4.1: 4 of 1,613,196 alleles (0.00025%); highest among the groups gnomAD compares: Non-Finnish European, 0.00034%; no homozygotes.

Submissions (2):

Ambry Genetics
Classification: Uncertain significance for Inborn genetic diseases. Last evaluated: 2025-08-04. Review status: criteria provided, single submitter. Criteria: Ambry Variant Classification Scheme 2023. Collection method: clinical testing. Allele origin: germline.

Labcorp Genetics (formerly Invitae), Labcorp
Classification: Uncertain significance. Last evaluated: 2022-02-22. Review status: criteria provided, single submitter. Criteria: Invitae Variant Classification Sherloc (09022015). Collection method: clinical testing. Allele origin: germline.
Comment: This sequence change replaces glutamic acid, which is acidic and polar, with glutamine, which is neutral and polar, at codon 1646 of the LTBP2 protein (p.Glu1646Gln). This variant is present in population databases (no rsID available, gnomAD 0.002%). This variant has not been reported in the literature in individuals affected with LTBP2-related conditions. Algorithms developed to predict the effect of missense changes on protein structure and function are either unavailable or do not agree on the potential impact of this missense change (SIFT: "Tolerated"; PolyPhen-2: "Possibly Damaging"; Align-GVGD: "Class C0"). In summary, the available evidence is currently insufficient to determine the role of this variant in disease. Therefore, it has been classified as a Variant of Uncertain Significance.

NM_000428.3(LTBP2):c.4936G>C (p.Glu1646Gln)

Gene: LTBP2 (latent transforming growth factor beta binding protein 2; minus strand). Cytogenetic location: 14q24.3.
Variant type: single nucleotide variant.
Coding change: c.4936G>C on transcript NM_000428.3 (MANE Select); coding-DNA position 4936, G replaced by C.
Protein change: p.Glu1646Gln; replaces glutamic acid 1646 with glutamine.
Molecular consequence: missense variant.
Genome position (GRCh38, 1-based): chr14:74,502,887, C>G on the plus strand (G>C on the coding strand, the complement: LTBP2 is on the minus strand). VCF-style: chr14-74502887-C-G. GRCh37 (hg19) VCF-style: chr14-74969590-C-G.
Other names: c.4936G>C (NM_000428.2); short protein forms E1646Q.
Identifiers: ClinVar variation 1931066 (VCV001931066.3), dbSNP rs1043748636, ClinGen allele CA263578472.